The following is an entry in ClinVar:

NM_022893.4(BCL11A):c.2045C>T (p.Ser682Leu)

Gene: BCL11A (BCL11 transcription factor A; minus strand). Cytogenetic location: 2p16.1.
Variant type: single nucleotide variant.
Coding change: c.2045C>T on transcript NM_022893.4 (MANE Select); coding-DNA position 2045, C replaced by T.
Protein change: p.Ser682Leu; replaces serine 682 with leucine.
Molecular consequence: missense variant. On other transcripts: intron variant (6).
Genome position (GRCh38, 1-based): chr2:60,460,867, G>A on the plus strand (C>T on the coding strand, the complement: BCL11A is on the minus strand). VCF-style: chr2-60460867-G-A. GRCh37 (hg19) VCF-style: chr2-60688002-G-A.
Other names: c.1943C>T, p.Ser648Leu (NM_001405719.1, NM_001363864.1, NM_001365609.1 and 2 more transcripts); c.1712C>T, p.Ser571Leu (NM_001405720.1, NM_001405721.1); c.1889C>T, p.Ser630Leu (NM_001405722.1, NM_001405723.1, NM_001405713.1 and 3 more transcripts); c.1787C>T, p.Ser596Leu (NM_001405724.1, NM_001405717.1, NM_001405718.1); c.1589C>T, p.Ser530Leu (NM_001405725.1, NM_001405726.1, NM_001405727.1 and 1 more transcripts); c.1352C>T, p.Ser451Leu (NM_001405729.1); c.1508C>T, p.Ser503Leu (NM_001405730.1); c.1052C>T, p.Ser351Leu (NM_001405731.1); and 5 more; short protein forms S351L, S451L, S503L, S530L, S571L, S596L, S630L, S648L.
Identifiers: ClinVar variation 5019211 (VCV005019211.2).
Genomic context (GRCh38, chr2:60,460,867, plus strand): 5'-GGTGTGGAGAAGCGCAAACTCCCGTTCTCCGAGGAGTGCTCCGACGAGGAGGCAAAAGGC[G>A]ATTGTCTGGAGTCTCCGAAGCTAAGGAAGGGATCTTTGAGCTGCCTGGAGGCCGCGTAGC-3'
Protein context (NP_075044.2, residues 672-692): PFLSFGDSRQ[Ser682Leu]PFASSSEHSS

ClinVar aggregate classification (germline): Uncertain significance (1 of 4 stars; one submission).

Conditions:
Dias-Logan syndrome. Also called: INTELLECTUAL DEVELOPMENTAL DISORDER WITH HEREDITARY PERSISTENCE OF FETAL HEMOGLOBIN; Intellectual developmental disorder with persistence of fetal hemoglobin. Identifiers: Orphanet 619233, MedGen C4310833, MONDO:0014914, OMIM 617101.

Submission:

Juno Genomics, Hangzhou Juno Genomics, Inc
Classification: Uncertain significance for Dias-Logan syndrome. Review status: criteria provided, single submitter. Criteria: ACMG Guidelines, 2015. Collection method: clinical testing. Allele origin: germline.
Comment: Absent from controls (or at extremely low frequency if recessive) in Genome Aggregation Database.;Missense variant in a gene that has a low rate of benign missense variation.